The following is an entry in ClinVar:

NM_172351.3(CD46):c.15C>A (p.Gly5=)

Genes: CD46 (CD46 molecule; plus strand), LOC129932405 (ATAC-STARR-seq lymphoblastoid active region 2449; plus strand). Cytogenetic location: 1q32.2.
Variant type: single nucleotide variant.
Coding change: c.15C>A on transcript NM_172351.3 (MANE Select); coding-DNA position 15, C replaced by A.
Protein change: p.Gly5=; no amino-acid change (glycine 5 retained).
Molecular consequence: synonymous variant.
Genome position (GRCh38, 1-based): chr1:207,752,227, C>A. VCF-style: chr1-207752227-C-A. GRCh37 (hg19) VCF-style: chr1-207925572-C-A.
Other names: c.15C>A, p.Gly5= (NM_002389.4, NM_153826.4, NM_172350.3 and 8 more transcripts).
Identifiers: ClinVar variation 3044739 (VCV003044739.2), dbSNP rs1654986330, ClinGen allele CA422962004.

ClinVar aggregate classification (germline): Likely benign (0 of 4 stars; one submission).

Conditions:
CD46-related disorder. Also called: CD46-related condition.

Allele frequency attached by ClinVar (database versions not stated): gnomAD exomes below 0.00001; TOPMed 0.00001.
gnomAD v4.1: 4 of 1,613,988 alleles (0.00025%); highest among the groups gnomAD compares: African/African-American, 0.0013%; no homozygotes.

Submission:

PreventionGenetics, part of Exact Sciences
Classification: Likely benign for CD46-related condition. Last evaluated: 2023-09-19. Review status: no assertion criteria provided. Collection method: clinical testing. Allele origin: germline.
Comment: This variant is classified as likely benign based on ACMG/AMP sequence variant interpretation guidelines (Richards et al. 2015 PMID: 25741868, with internal and published modifications).